The following is an entry in ClinVar:

NM_000297.4(PKD2):c.1770G>A (p.Met590Ile)

Gene: PKD2 (polycystin 2, transient receptor potential cation channel; plus strand). Cytogenetic location: 4q22.1.
Variant type: single nucleotide variant.
Coding change: c.1770G>A on transcript NM_000297.4 (MANE Select); coding-DNA position 1770, G replaced by A.
Protein change: p.Met590Ile; replaces methionine 590 with isoleucine.
Molecular consequence: missense variant. On other transcripts: non-coding transcript variant (1).
Genome position (GRCh38, 1-based): chr4:88,056,139, G>A. VCF-style: chr4-88056139-G-A. GRCh37 (hg19) VCF-style: chr4-88977291-G-A.
Other names: short protein forms M590I.
Identifiers: ClinVar variation 3591400 (VCV003591400.2).

ClinVar aggregate classification (germline): Uncertain significance. Review status: criteria provided, multiple submitters, no conflicts (2 of 4 stars). 2 submissions from 2 submitters: Uncertain significance (2). Last evaluated 2025-07-13.

Conditions:
Autosomal dominant polycystic kidney disease. Identifiers: Orphanet 730, MedGen C0085413, MONDO:0004691.
Polycystic kidney disease 2 (PKD2). Also called: POLYCYSTIC KIDNEY DISEASE, ADULT, TYPE II; Polycystic Kidney Disease 2, Autosomal Dominant; POLYCYSTIC KIDNEY DISEASE 2 WITH OR WITHOUT POLYCYSTIC LIVER DISEASE. Identifiers: MedGen C2751306, MONDO:0013131, OMIM 613095.

Submissions (2):

Labcorp Genetics (formerly Invitae), Labcorp
Classification: Uncertain significance for Autosomal dominant polycystic kidney disease. Last evaluated: 2025-07-13. Review status: criteria provided, single submitter. Criteria: Invitae Variant Classification Sherloc (09022015). Collection method: clinical testing. Allele origin: germline.
Comment: This sequence change replaces methionine, which is neutral and non-polar, with isoleucine, which is neutral and non-polar, at codon 590 of the PKD2 protein (p.Met590Ile). This variant is not present in population databases (gnomAD no frequency). This variant has not been reported in the literature in individuals affected with PKD2-related conditions. ClinVar contains an entry for this variant (Variation ID: 3591400). Invitae Evidence Modeling of protein sequence and biophysical properties (such as structural, functional, and spatial information, amino acid conservation, physicochemical variation, residue mobility, and thermodynamic stability) indicates that this missense variant is not expected to disrupt PKD2 protein function with a negative predictive value of 80%. In summary, the available evidence is currently insufficient to determine the role of this variant in disease. Therefore, it has been classified as a Variant of Uncertain Significance.

Fulgent Genetics
Classification: Uncertain significance for Polycystic kidney disease 2. Last evaluated: 2024-04-07. Review status: criteria provided, single submitter. Criteria: ACMG Guidelines, 2015. Collection method: clinical testing. Allele origin: germline.